The following is an entry in ClinVar:

ClinVar aggregate classification (germline): Conflicting classifications of pathogenicity. Review status: criteria provided, conflicting classifications (1 of 4 stars). 3 submissions from 3 submitters: Likely pathogenic (1); Uncertain significance (1). 1 of the submissions does not count toward it. Last evaluated 2025-07-01.

Conditions:
Polycystic kidney disease, adult type (PKD1). Also called: POLYCYSTIC KIDNEY DISEASE, ADULT, TYPE I; Polycystic Kidney Disease 1, Autosomal Dominant; Polycystic kidney disease 1; Polycystic kidney disease 1, severe; Polycystic Kidney, Autosomal Dominant; POLYCYSTIC KIDNEY DISEASE 1 WITH OR WITHOUT POLYCYSTIC LIVER DISEASE. Identifiers: MedGen C3149841, MONDO:0008263, OMIM 173900.
Polycystic kidney disease. Also called: Polycystic kidney dysplasia; Kidney, Polycystic. Identifiers: MedGen C0022680, MeSH D007690, MONDO:0020642, HP:0000113.

Submissions (3):

Women's Health and Genetics/Laboratory Corporation of America, LabCorp
Classification: Uncertain significance. Last evaluated: 2025-07-01. Review status: criteria provided, single submitter. Criteria: LabCorp Variant Classification Summary - May 2015. Collection method: clinical testing. Allele origin: germline.
Comment: Variant summary: PKD1 c.1294G>A (p.Ala432Thr) results in a non-conservative amino acid change in the encoded protein sequence. Algorithms developed to predict the effect of missense changes on protein structure and function all suggest that this variant is likely to be disruptive. The variant was absent in 214454 control chromosomes. The available data on variant occurrences in the general population are insufficient to allow any conclusion about variant significance. c.1294G>A has been observed in unspecified individual(s) affected with Polycystic Kidney Disease 1 (Heyer_2016). These report(s) do not provide unequivocal conclusions about association of the variant with Polycystic Kidney Disease 1. To our knowledge, no experimental evidence demonstrating an impact on protein function has been reported. The following publication has been ascertained in the context of this evaluation (PMID: 26823553). ClinVar contains an entry for this variant (Variation ID: 997395). Based on the evidence outlined above, the variant was classified as uncertain significance.

Fulgent Genetics
Classification: Likely pathogenic for Polycystic kidney disease, adult type. Last evaluated: 2024-05-09. Review status: criteria provided, single submitter. Criteria: ACMG Guidelines, 2015. Collection method: clinical testing. Allele origin: germline.

Department of Pathology and Laboratory Medicine, Sinai Health System
Classification: Likely pathogenic for Polycystic Kidney disease. Review status: no assertion criteria provided. Collection method: clinical testing. Allele origin: unknown. Affected: yes. Study: The Canadian Open Genetics Repository (COGR). Not counted in ClinVar's aggregate classification.
Comment: The PKD1 p.Ala432Thr variant was identified in 3 of 1890 proband chromosomes (frequency: 0.002) from individuals or families with ADPKD (Heyer 2016). The variant was also identified in the ADPKD Mutation Database (1x as Highly Likely Pathogenic by Athena Diagnostics). The variant was not identified in dbSNP, ClinVar, Clinvitae, LOVD 3.0, or PKD1-LOVD databases. The variant was not identified in the following control databases: the Exome Aggregation Consortium (August 8th 2016), or the Genome Aggregation Database (Feb 27, 2017). In one study the variant was considered to be a strong mutation based on conservation and chemical change. The p.Ala432 residue is conserved in mammals and computational analyses (PolyPhen-2, SIFT, AlignGVGD, BLOSUM, MutationTaster) provide inconsistent predictions regarding the impact to the protein; this information is not very predictive of pathogenicity. In summary, based on the above information the clinical significance of this variant cannot be determined with certainty at this time although we would lean towards a more pathogenic role for this variant. This variant is classified as likely pathogenic.

Literature cited by the submitters: PubMed 26823553 (cited by Women's Health and Genetics/Laboratory Corporation of America, LabCorp).

NM_001009944.3(PKD1):c.1294G>A (p.Ala432Thr)

Gene: PKD1 (polycystin 1, transient receptor potential channel interacting; minus strand). Cytogenetic location: 16p13.3.
Variant type: single nucleotide variant.
Coding change: c.1294G>A on transcript NM_001009944.3 (MANE Select); coding-DNA position 1294, G replaced by A.
Protein change: p.Ala432Thr; replaces alanine 432 with threonine.
Molecular consequence: missense variant.
Genome position (GRCh38, 1-based): chr16:2,117,580, C>T on the plus strand (G>A on the coding strand, the complement: PKD1 is on the minus strand). VCF-style: chr16-2117580-C-T. GRCh37 (hg19) VCF-style: chr16-2167581-C-T.
Other names: c.1294G>A, p.Ala432Thr (NM_000296.4); short protein forms A432T.
Identifiers: ClinVar variation 997395 (VCV000997395.5), dbSNP rs2092660647, ClinGen allele CA394392626.